The following is an entry in ClinVar:

ClinVar aggregate classification (germline): Uncertain significance (1 of 4 stars; one submission).

Submission:

Labcorp Genetics (formerly Invitae), Labcorp
Classification: Uncertain significance. Last evaluated: 2022-03-25. Review status: criteria provided, single submitter. Criteria: Invitae Variant Classification Sherloc (09022015). Collection method: clinical testing. Allele origin: germline.
Comment: Advanced modeling of protein sequence and biophysical properties (such as structural, functional, and spatial information, amino acid conservation, physicochemical variation, residue mobility, and thermodynamic stability) performed at Invitae indicates that this missense variant is not expected to disrupt COL9A3 protein function. In summary, the available evidence is currently insufficient to determine the role of this variant in disease. Therefore, it has been classified as a Variant of Uncertain Significance. This variant has not been reported in the literature in individuals affected with COL9A3-related conditions. This variant is not present in population databases (gnomAD no frequency). This sequence change replaces isoleucine, which is neutral and non-polar, with asparagine, which is neutral and polar, at codon 177 of the COL9A3 protein (p.Ile177Asn).

NM_001853.4(COL9A3):c.530T>A (p.Ile177Asn)

Gene: COL9A3 (collagen type IX alpha 3 chain; plus strand). Cytogenetic location: 20q13.33.
Variant type: single nucleotide variant.
Coding change: c.530T>A on transcript NM_001853.4 (MANE Select); coding-DNA position 530, T replaced by A.
Protein change: p.Ile177Asn; replaces isoleucine 177 with asparagine.
Molecular consequence: missense variant.
Genome position (GRCh38, 1-based): chr20:62,824,455, T>A. VCF-style: chr20-62824455-T-A. GRCh37 (hg19) VCF-style: chr20-61455807-T-A.
Other names: short protein forms I177N.
Identifiers: ClinVar variation 2116648 (VCV002116648.4), dbSNP rs2516037366, ClinGen allele CA409590591.